The following is an entry in ClinVar:

ClinVar aggregate classification (germline): Pathogenic (1 of 4 stars; one submission).

Submission:

Labcorp Genetics (formerly Invitae), Labcorp
Classification: Pathogenic. Last evaluated: 2022-05-12. Review status: criteria provided, single submitter. Criteria: Invitae Variant Classification Sherloc (09022015). Collection method: clinical testing. Allele origin: germline.
Comment: For these reasons, this variant has been classified as Pathogenic. ClinVar contains an entry for this variant (Variation ID: 649796). This variant has not been reported in the literature in individuals affected with POLE-related conditions. This variant is not present in population databases (gnomAD no frequency). This sequence change creates a premature translational stop signal (p.His543Profs*15) in the POLE gene. It is expected to result in an absent or disrupted protein product. Loss-of-function variants in POLE are known to be pathogenic (PMID: 23230001, 25948378, 30503519).

Literature cited by the submitters: PubMed 23230001; PubMed 25948378; PubMed 30503519.

NM_006231.4(POLE):c.1623_1633del (p.His543fs)

Gene: POLE (DNA polymerase epsilon, catalytic subunit; minus strand). Cytogenetic location: 12q24.33.
Variant type: Deletion.
Coding change: c.1623_1633del on transcript NM_006231.4 (MANE Select); coding-DNA positions 1623 to 1633, 11 bases deleted (GGGCCACGTGG).
Protein change: p.His543fs; shifts the reading frame from histidine 543.
Molecular consequence: frameshift variant.
Genome position (GRCh38, 1-based): chr12:132,672,680-132,672,690, CCACGTGGCCC deleted on the plus strand (GGGCCACGTGG on the coding strand, the reverse complement: POLE is on the minus strand); deleting any 11 consecutive bases within chr12:132,672,680-132,672,692 gives the same sequence; the c. name uses the placement nearest the transcript's 3' end. VCF-style (leftmost placement, unchanged base first): chr12-132672679-TCCACGTGGCCC-T. GRCh37 (hg19) VCF-style: chr12-133249265-TCCACGTGGCCC-T.
Other names: c.1623_1633delGGGCCACGTGG (NM_006231.3); short protein forms H543fs.
Identifiers: ClinVar variation 649796 (VCV000649796.8), dbSNP rs1593070775, ClinGen allele CA915946754.
Genomic context (GRCh38, chr12:132,672,679, plus strand): 5'-AAGCACACCATCCTAAACCGGCAAGGGATATCGCTGCGGAAAACCCCAGACTCGAGGGCC[TCCACGTGGCCC>T]CCGACGTAGGTCTCAGAGTCCAGCACGTGTCCGTCGTCCGTCAGCTTATTGAACTCCTGC-3'